The following is an entry in ClinVar:

NM_001012339.3(DNAJC21):c.595_615del (p.Lys199_Gln205del)

Gene: DNAJC21 (DnaJ heat shock protein family (Hsp40) member C21; plus strand). Cytogenetic location: 5p13.2.
Variant type: Deletion.
Coding change: c.595_615del on transcript NM_001012339.3 (MANE Select); coding-DNA positions 595 to 615, 21 bases deleted (AAGAATGAGCTTGTCCGTCAG).
Protein change: p.Lys199_Gln205del.
Molecular consequence: inframe deletion.
Genome position (GRCh38, 1-based): chr5:34,937,482-34,937,502, AAGAATGAGCTTGTCCGTCAG deleted; deleting any 21 consecutive bases within chr5:34,937,480-34,937,502 gives the same sequence; the c. name uses the placement nearest the transcript's 3' end. VCF-style (leftmost placement, unchanged base first): chr5-34937479-GAGAAGAATGAGCTTGTCCGTC-G. GRCh37 (hg19) VCF-style: chr5-34937584-GAGAAGAATGAGCTTGTCCGTC-G.
Other names: c.595_615del, p.Lys199_Gln205del (NM_001348420.2, NM_194283.4).
Identifiers: ClinVar variation 1904194 (VCV001904194.5), dbSNP rs769365254, ClinGen allele CA3228499.

ClinVar aggregate classification (germline): Uncertain significance (1 of 4 stars; one submission).

Submission:

Labcorp Genetics (formerly Invitae), Labcorp
Classification: Uncertain significance. Last evaluated: 2021-12-17. Review status: criteria provided, single submitter. Criteria: Invitae Variant Classification Sherloc (09022015). Collection method: clinical testing. Allele origin: germline.
Comment: This variant, c.595_615del, results in the deletion of 7 amino acid(s) of the DNAJC21 protein (p.Lys199_Gln205del), but otherwise preserves the integrity of the reading frame. This variant is present in population databases (rs769365254, gnomAD 0.003%). This variant has not been reported in the literature in individuals affected with DNAJC21-related conditions. Experimental studies and prediction algorithms are not available or were not evaluated, and the functional significance of this variant is currently unknown. In summary, the available evidence is currently insufficient to determine the role of this variant in disease. Therefore, it has been classified as a Variant of Uncertain Significance.